The following is an entry in ClinVar:

ClinVar aggregate classification (germline): Uncertain significance (1 of 4 stars; one submission).

Conditions:
Charcot-Marie-Tooth disease type 2. Also called: Charcot-Marie-Tooth type 2. Identifiers: Orphanet 64746, MedGen C0270914, MONDO:0018993.

gnomAD v4.1: 1 of 1,613,894 alleles (0.000062%); highest among the groups gnomAD compares: Admixed American, 0.0017%; no homozygotes.

Submission:

Labcorp Genetics (formerly Invitae), Labcorp
Classification: Uncertain significance for Charcot-Marie-Tooth disease type 2. Last evaluated: 2022-03-29. Review status: criteria provided, single submitter. Criteria: Invitae Variant Classification Sherloc (09022015). Collection method: clinical testing. Allele origin: germline.
Comment: In summary, the available evidence is currently insufficient to determine the role of this variant in disease. Therefore, it has been classified as a Variant of Uncertain Significance. Algorithms developed to predict the effect of sequence changes on RNA splicing suggest that this variant may create or strengthen a splice site. This variant has not been reported in the literature in individuals affected with MED25-related conditions. This variant is present in population databases (no rsID available, gnomAD 0.003%). This sequence change falls in intron 13 of the MED25 gene. It does not directly change the encoded amino acid sequence of the MED25 protein.

NM_030973.4(MED25):c.1483-5C>G

Gene: MED25 (mediator complex subunit 25; plus strand). Cytogenetic location: 19q13.33.
Variant type: single nucleotide variant.
Coding change: c.1483-5C>G on transcript NM_030973.4 (MANE Select); 5 bases into the intron before coding-DNA position 1483, C replaced by G.
Molecular consequence: intron variant.
Genome position (GRCh38, 1-based): chr19:49,834,981, C>G. VCF-style: chr19-49834981-C-G. GRCh37 (hg19) VCF-style: chr19-50338238-C-G.
Other names: c.1483-5C>G (NM_001378355.1).
Identifiers: ClinVar variation 1918367 (VCV001918367.5), dbSNP rs896391750, ClinGen allele CA309519838.